The following is an entry in ClinVar:

ClinVar aggregate classification (germline): Uncertain significance (1 of 4 stars; one submission).

Conditions:
Transcobalamin II deficiency (TCN2D). Also called: TC II DEFICIENCY; TCN2 DEFICIENCY; Transcolabamin II deficiency. Identifiers: Orphanet 859, MedGen C0342701, MONDO:0010149, OMIM 275350.

gnomAD v4.1: 5 of 1,614,030 alleles (0.00031%); highest among the groups gnomAD compares: African/African-American, 0.0027%; no homozygotes.

Submission:

Labcorp Genetics (formerly Invitae), Labcorp
Classification: Uncertain significance for Transcobalamin II deficiency. Last evaluated: 2024-09-19. Review status: criteria provided, single submitter. Criteria: Invitae Variant Classification Sherloc (09022015). Collection method: clinical testing. Allele origin: germline.
Comment: This sequence change replaces glutamic acid, which is acidic and polar, with lysine, which is basic and polar, at codon 237 of the TCN2 protein (p.Glu237Lys). This variant is not present in population databases (gnomAD no frequency). This variant has not been reported in the literature in individuals affected with TCN2-related conditions. Invitae Evidence Modeling of protein sequence and biophysical properties (such as structural, functional, and spatial information, amino acid conservation, physicochemical variation, residue mobility, and thermodynamic stability) indicates that this missense variant is not expected to disrupt TCN2 protein function with a negative predictive value of 80%. In summary, the available evidence is currently insufficient to determine the role of this variant in disease. Therefore, it has been classified as a Variant of Uncertain Significance.

NM_000355.4(TCN2):c.709G>A (p.Glu237Lys)

Gene: TCN2 (transcobalamin 2; plus strand). Cytogenetic location: 22q12.2.
Variant type: single nucleotide variant.
Coding change: c.709G>A on transcript NM_000355.4 (MANE Select); coding-DNA position 709, G replaced by A.
Protein change: p.Glu237Lys; replaces glutamic acid 237 with lysine.
Molecular consequence: missense variant.
Genome position (GRCh38, 1-based): chr22:30,615,429, G>A. VCF-style: chr22-30615429-G-A. GRCh37 (hg19) VCF-style: chr22-31011416-G-A.
Other names: c.628G>A, p.Glu210Lys (NM_001184726.2); short protein forms E210K, E237K.
Identifiers: ClinVar variation 3666001 (VCV003666001.2).